The following is an entry in ClinVar:

NM_000199.5(SGSH):c.1159G>C (p.Val387Leu)

Gene: SGSH (N-sulfoglucosamine sulfohydrolase; minus strand). Cytogenetic location: 17q25.3.
Variant type: single nucleotide variant.
Coding change: c.1159G>C on transcript NM_000199.5 (MANE Select); coding-DNA position 1159, G replaced by C.
Protein change: p.Val387Leu; replaces valine 387 with leucine.
Molecular consequence: missense variant. On other transcripts: 3 prime UTR variant (2), non-coding transcript variant (1).
Genome position (GRCh38, 1-based): chr17:80,210,802, C>G on the plus strand (G>C on the coding strand, the complement: SGSH is on the minus strand). VCF-style: chr17-80210802-C-G. GRCh37 (hg19) VCF-style: chr17-78184601-C-G.
Other names: c.*246G>C (NM_001352921.3); c.*209G>C (NM_001352922.2); short protein forms V387L.
Identifiers: ClinVar variation 2158941 (VCV002158941.2), dbSNP rs62620232, ClinGen allele CA401359026.

ClinVar aggregate classification (germline): Uncertain significance (1 of 4 stars; one submission).

Conditions:
Mucopolysaccharidosis, MPS-III-A (MPS3A). Also called: HEPARAN SULFATE SULFATASE DEFICIENCY; SANFILIPPO SYNDROME A; SULFAMIDASE DEFICIENCY; MPS III A; Mucopolysaccharidosis, type IIIA; MUCOPOLYSACCHARIDOSIS, TYPE IIIA, ATTENUATED. Identifiers: Orphanet 581, Orphanet 79269, MedGen C0086647, MONDO:0009655, OMIM 252900.

Submission:

Labcorp Genetics (formerly Invitae), Labcorp
Classification: Uncertain significance for Mucopolysaccharidosis, MPS-III-A. Last evaluated: 2024-04-08. Review status: criteria provided, single submitter. Criteria: Invitae Variant Classification Sherloc (09022015). Collection method: clinical testing. Allele origin: germline.
Comment: This sequence change replaces valine, which is neutral and non-polar, with leucine, which is neutral and non-polar, at codon 387 of the SGSH protein (p.Val387Leu). This variant is present in population databases (no rsID available, gnomAD 0.002%). This variant has not been reported in the literature in individuals affected with SGSH-related conditions. ClinVar contains an entry for this variant (Variation ID: 2158941). Algorithms developed to predict the effect of missense changes on protein structure and function output the following: SIFT: "Not Available"; PolyPhen-2: "Benign"; Align-GVGD: "Not Available". The leucine amino acid residue is found in multiple mammalian species, which suggests that this missense change does not adversely affect protein function. In summary, the available evidence is currently insufficient to determine the role of this variant in disease. Therefore, it has been classified as a Variant of Uncertain Significance.